The following is an entry in ClinVar:

NM_022124.6(CDH23):c.4853C>T (p.Thr1618Met)

Gene: CDH23 (cadherin related 23; plus strand). Cytogenetic location: 10q22.1.
Variant type: single nucleotide variant.
Coding change: c.4853C>T on transcript NM_022124.6 (MANE Select); coding-DNA position 4853, C replaced by T.
Protein change: p.Thr1618Met; replaces threonine 1618 with methionine.
Molecular consequence: missense variant.
Genome position (GRCh38, 1-based): chr10:71,777,687, C>T. VCF-style: chr10-71777687-C-T. GRCh37 (hg19) VCF-style: chr10-73537444-C-T.
Other names: short protein forms T1618M.
Identifiers: ClinVar variation 989838 (VCV000989838.20), dbSNP rs371884850, ClinGen allele CA5545569.

ClinVar aggregate classification (germline): Uncertain significance. Review status: criteria provided, multiple submitters, no conflicts (2 of 4 stars). 3 submissions from 3 submitters: Uncertain significance (2). 1 of the submissions does not count toward it. Last evaluated 2024-11-11.

Conditions:
Usher syndrome type 1 (USH1). Also called: RETINITIS PIGMENTOSA AND CONGENITAL DEAFNESS. Identifiers: Orphanet 231169, Orphanet 886, MedGen C1568247, MONDO:0010168, OMIM 276900.

Allele frequency attached by ClinVar (database versions not stated): ExAC 0.00002; gnomAD exomes 0.00002; TOPMed 0.00003; gnomAD 0.00004 and 0.00005; ESP Exome Variant Server 0.00008.
gnomAD v4.1: 24 of 1,610,424 alleles (0.0015%); highest among the groups gnomAD compares: Middle Eastern, 0.034%; no homozygotes.

Submissions (3):

Labcorp Genetics (formerly Invitae), Labcorp
Classification: Uncertain significance. Last evaluated: 2024-11-11. Review status: criteria provided, single submitter. Criteria: Invitae Variant Classification Sherloc (09022015). Collection method: clinical testing. Allele origin: germline.
Comment: This sequence change replaces threonine, which is neutral and polar, with methionine, which is neutral and non-polar, at codon 1618 of the CDH23 protein (p.Thr1618Met). This variant is present in population databases (rs371884850, gnomAD 0.01%). This missense change has been observed in individual(s) with hearing loss (PMID: 35020051). ClinVar contains an entry for this variant (Variation ID: 989838). Invitae Evidence Modeling of protein sequence and biophysical properties (such as structural, functional, and spatial information, amino acid conservation, physicochemical variation, residue mobility, and thermodynamic stability) has been performed for this missense variant. However, the output from this modeling did not meet the statistical confidence thresholds required to predict the impact of this variant on CDH23 protein function. In summary, the available evidence is currently insufficient to determine the role of this variant in disease. Therefore, it has been classified as a Variant of Uncertain Significance.

CeGaT Center for Human Genetics Tuebingen
Classification: Uncertain significance. Last evaluated: 2024-08-01. Review status: criteria provided, single submitter. Criteria: CeGaT Center For Human Genetics Tuebingen Variant Classification Criteria Version 2. Collection method: clinical testing. Allele origin: germline. Affected: yes. Observed: 1 variant allele.
Comment: CDH23: PM2, PM5

Natera, Inc.
Classification: Uncertain significance for Usher syndrome type 1. Last evaluated: 2020-08-15. Review status: no assertion criteria provided. Collection method: clinical testing. Allele origin: germline. Not counted in ClinVar's aggregate classification.

Literature cited by the submitters: PubMed 35020051 (cited by Labcorp Genetics (formerly Invitae), Labcorp).